The following is an entry in ClinVar:

NM_000498.3(CYP11B2):c.85G>A (p.Ala29Thr)

Genes: CYP11B2 (cytochrome P450 family 11 subfamily B member 2; minus strand), LOC106799834 (CYP11B2 recombination region; plus strand). Cytogenetic location: 8q24.3.
Variant type: single nucleotide variant.
Coding change: c.85G>A on transcript NM_000498.3 (MANE Select); coding-DNA position 85, G replaced by A.
Protein change: p.Ala29Thr; replaces alanine 29 with threonine.
Molecular consequence: missense variant.
Genome position (GRCh38, 1-based): chr8:142,917,756, C>T on the plus strand (G>A on the coding strand, the complement: CYP11B2 is on the minus strand). VCF-style: chr8-142917756-C-T. GRCh37 (hg19) VCF-style: chr8-143999172-C-T.
Other names: short protein forms A29T.
Identifiers: ClinVar variation 716151 (VCV000716151.16), dbSNP rs6438, ClinGen allele CA4906378.

ClinVar aggregate classification (germline): Benign/Likely benign. Review status: criteria provided, multiple submitters, no conflicts (2 of 4 stars). 6 submissions from 4 submitters: Benign (4); Likely benign (1). 1 of the submissions does not count toward it. Last evaluated 2026-01-31.

Conditions:
Corticosterone methyloxidase type 2 deficiency. Also called: 18-OXIDASE DEFICIENCY; ALDOSTERONE DEFICIENCY DUE TO DEFICIENCY OF STEROID 18-OXIDASE; ALDOSTERONE DEFICIENCY II; CMO II DEFICIENCY; STEROID 18-OXIDASE DEFICIENCY. Identifiers: Orphanet 427, MedGen C3463917, MONDO:0012524, OMIM 610600. Disease mechanism: loss of function.
Corticosterone 18-monooxygenase deficiency. Also called: ALDOSTERONE DEFICIENCY DUE TO DEFECT IN STEROID 18-HYDROXYLASE; ALDOSTERONE DEFICIENCY I; CMO I DEFICIENCY; STEROID 18-HYDROXYLASE DEFICIENCY; 18 Hydroxylase deficiency; Aldosterone deficiency due to defect in 18 hydroxylase. Identifiers: Orphanet 427, MedGen C0268293, MONDO:0008751, OMIM 203400. Disease mechanism: loss of function.
Glucocorticoid-remediable aldosteronism. Also called: ACTH-DEPENDENT HYPERALDOSTERONISM SYNDROME; ALDOSTERONISM, SENSITIVE TO DEXAMETHASONE; FH I; GLUCOCORTICOID-SUPPRESSIBLE HYPERALDOSTERONISM; Hyperaldosteronism, familial, type I. Identifiers: Orphanet 403, MedGen C3838731, MONDO:0007080, OMIM 103900.
Corticosterone methyl oxidase type II deficiency.

Allele frequency attached by ClinVar (database versions not stated): gnomAD exomes 0.00092 and 0.00253; ExAC 0.00329; gnomAD 0.01016 and 0.01088; TOPMed 0.01112; ESP Exome Variant Server 0.01192; 1000 Genomes Project 0.01438; 1000 Genomes Project 30x 0.01624.
gnomAD v4.1: 2,933 of 1,614,200 alleles (0.18%); highest among the groups gnomAD compares: African/African-American, 3.5%; 52 homozygotes.

Submissions (6):

Labcorp Genetics (formerly Invitae), Labcorp
Classification: Benign. Last evaluated: 2026-01-31. Review status: criteria provided, single submitter. Criteria: Invitae Variant Classification Sherloc (09022015). Collection method: clinical testing. Allele origin: germline.

Blueprint Genetics
Classification: Likely benign. Last evaluated: 2024-11-27. Review status: criteria provided, single submitter. Criteria: ACMG Guidelines, 2015. Collection method: clinical testing. Allele origin: germline.

Illumina Laboratory Services, Illumina
Classification: Benign for Corticosterone 18-monooxygenase deficiency. Last evaluated: 2018-01-12. Review status: criteria provided, single submitter. Criteria: ICSL Variant Classification Criteria 13 December 2019. Collection method: clinical testing. Allele origin: germline.
Comment: This variant was observed in the ICSL laboratory as part of a predisposition screen in an ostensibly healthy population. It had not been previously curated by ICSL or reported in the Human Gene Mutation Database (HGMD: prior to June 1st, 2018), and was therefore a candidate for classification through an automated scoring system. Utilizing variant allele frequency, disease prevalence and penetrance estimates, and inheritance mode, an automated score was calculated to assess if this variant is too frequent to cause the disease. Based on the score and internal cut-off values, a variant classified as benign is not then subjected to further curation. The score for this variant resulted in a classification of benign for this disease.

Illumina Laboratory Services, Illumina
Classification: Benign for Corticosterone methyloxidase type 2 deficiency. Last evaluated: 2018-01-12. Review status: criteria provided, single submitter. Criteria: ICSL Variant Classification Criteria 13 December 2019. Collection method: clinical testing. Allele origin: germline.
Comment: the same text as in the submission from Illumina Laboratory Services, Illumina above.

Illumina Laboratory Services, Illumina
Classification: Benign for Hyperaldosteronism, familial, type I. Last evaluated: 2018-01-12. Review status: criteria provided, single submitter. Criteria: ICSL Variant Classification Criteria 13 December 2019. Collection method: clinical testing. Allele origin: germline.
Comment: the same text as in the submission from Illumina Laboratory Services, Illumina above.

Natera, Inc.
Classification: Benign for Corticosterone methyl oxidase type II deficiency. Last evaluated: 2020-09-16. Review status: no assertion criteria provided. Collection method: clinical testing. Allele origin: germline. Not counted in ClinVar's aggregate classification.